The following is an entry in ClinVar:

NM_003151.4(STAT4):c.2035C>G (p.Pro679Ala)

Gene: STAT4 (signal transducer and activator of transcription 4; minus strand). Cytogenetic location: 2q32.2.
Variant type: single nucleotide variant.
Coding change: c.2035C>G on transcript NM_003151.4 (MANE Select); coding-DNA position 2035, C replaced by G.
Protein change: p.Pro679Ala; replaces proline 679 with alanine.
Molecular consequence: missense variant.
Genome position (GRCh38, 1-based): chr2:191,032,967, G>C on the plus strand (C>G on the coding strand, the complement: STAT4 is on the minus strand). VCF-style: chr2-191032967-G-C. GRCh37 (hg19) VCF-style: chr2-191897693-G-C.
Other names: c.2035C>G, p.Pro679Ala (NM_001243835.2); short protein forms P679A.
Identifiers: ClinVar variation 3704232 (VCV003704232.2).
Genomic context (GRCh38, chr2:191,032,967, plus strand): 5'-TTTTCCAAAATCTTAAGGAAAAAAAAACAAAAACAAACAGAAAAACCTAACCTTCGCAAG[G>C]CTGAGAGCTGTAGTGTTTACCGAAGGCTTTGTCTTTGGGAATGTCAGGATATAGGTACTT-3'
Protein context (NP_003142.1, residues 669-689): KAFGKHYSSQ[Pro679Ala]CEVSRPTERG

ClinVar aggregate classification (germline): Uncertain significance (1 of 4 stars; one submission).

Submission:

Labcorp Genetics (formerly Invitae), Labcorp
Classification: Uncertain significance. Last evaluated: 2024-12-03. Review status: criteria provided, single submitter. Criteria: Invitae Variant Classification Sherloc (09022015). Collection method: clinical testing. Allele origin: germline.
Comment: This sequence change replaces proline, which is neutral and non-polar, with alanine, which is neutral and non-polar, at codon 679 of the STAT4 protein (p.Pro679Ala). This variant is not present in population databases (gnomAD no frequency). This variant has not been reported in the literature in individuals affected with STAT4-related conditions. Invitae Evidence Modeling of protein sequence and biophysical properties (such as structural, functional, and spatial information, amino acid conservation, physicochemical variation, residue mobility, and thermodynamic stability) indicates that this missense variant is not expected to disrupt STAT4 protein function with a negative predictive value of 80%. In summary, the available evidence is currently insufficient to determine the role of this variant in disease. Therefore, it has been classified as a Variant of Uncertain Significance.